The following is an entry in ClinVar:

NM_021625.5(TRPV4):c.2458+1G>C

Gene: TRPV4 (transient receptor potential cation channel subfamily V member 4; minus strand). Cytogenetic location: 12q24.11.
Variant type: single nucleotide variant.
Coding change: c.2458+1G>C on transcript NM_021625.5 (MANE Select); the canonical splice donor site of the intron after coding-DNA position 2458, G replaced by C.
Molecular consequence: splice donor variant.
Genome position (GRCh38, 1-based): chr12:109,784,315, C>G on the plus strand (G>C on the coding strand, the complement: TRPV4 is on the minus strand). VCF-style: chr12-109784315-C-G. GRCh37 (hg19) VCF-style: chr12-110222120-C-G.
Other names: c.2137+1G>C (NM_001177433.1); c.2317+1G>C (NM_001177428.1); c.2278+1G>C (NM_147204.2); c.2356+1G>C (NM_001177431.1).
Identifiers: ClinVar variation 4536506 (VCV004536506.1).

ClinVar aggregate classification (germline): Uncertain significance (1 of 4 stars; one submission).

Submission:

GeneDx
Classification: Uncertain significance. Last evaluated: 2025-06-06. Review status: criteria provided, single submitter. Criteria: GeneDx Variant Classification Process June 2021. Collection method: clinical testing. Allele origin: germline. Affected: yes.
Comment: Not observed at significant frequency in large population cohorts (gnomAD); Canonical splice site variant in a gene or region of a gene for which loss of function is not a well-established mechanism of disease; Has not been previously published as pathogenic or benign to our knowledge